The following is an entry in ClinVar:

NM_000815.5(GABRD):c.406G>A (p.Asp136Asn)

Gene: GABRD (gamma-aminobutyric acid type A receptor subunit delta; plus strand). Cytogenetic location: 1p36.33.
Variant type: single nucleotide variant.
Coding change: c.406G>A on transcript NM_000815.5 (MANE Select); coding-DNA position 406, G replaced by A.
Protein change: p.Asp136Asn; replaces aspartic acid 136 with asparagine.
Molecular consequence: missense variant.
Genome position (GRCh38, 1-based): chr1:2,025,674, G>A. VCF-style: chr1-2025674-G-A. GRCh37 (hg19) VCF-style: chr1-1957113-G-A.
Other names: short protein forms D136N.
Identifiers: ClinVar variation 839702 (VCV000839702.9), dbSNP rs1420010820, ClinGen allele CA337957430.

ClinVar aggregate classification (germline): Uncertain significance (1 of 4 stars; one submission).

Conditions:
Idiopathic generalized epilepsy. Also called: Generalised epilepsy; EIG. Identifiers: MedGen C0270850, MONDO:0005579, OMIM 600669.

Allele frequency attached by ClinVar (database versions not stated): gnomAD exomes below 0.00001.
gnomAD v4.1: 2 of 1,612,998 alleles (0.00012%); highest among the groups gnomAD compares: South Asian, 0.0011%; no homozygotes.

Submission:

Labcorp Genetics (formerly Invitae), Labcorp
Classification: Uncertain significance for Idiopathic generalized epilepsy. Last evaluated: 2022-07-26. Review status: criteria provided, single submitter. Criteria: Invitae Variant Classification Sherloc (09022015). Collection method: clinical testing. Allele origin: germline.
Comment: In summary, the available evidence is currently insufficient to determine the role of this variant in disease. Therefore, it has been classified as a Variant of Uncertain Significance. Algorithms developed to predict the effect of missense changes on protein structure and function are either unavailable or do not agree on the potential impact of this missense change (SIFT: "Deleterious"; PolyPhen-2: "Probably Damaging"; Align-GVGD: "Class C15"). ClinVar contains an entry for this variant (Variation ID: 839702). This variant has not been reported in the literature in individuals affected with GABRD-related conditions. This variant is present in population databases (no rsID available, gnomAD 0.003%). This sequence change replaces aspartic acid, which is acidic and polar, with asparagine, which is neutral and polar, at codon 136 of the GABRD protein (p.Asp136Asn).